The following is an entry in ClinVar:

ClinVar aggregate classification (germline): Benign (1 of 4 stars; one submission).

Conditions:
Colorectal cancer, susceptibility to, 1. Also called: COLORECTAL ADENOMA AND CANCER, SUSCEPTIBILITY TO; COLORECTAL CANCER, SUSCEPTIBILITY TO, ON CHROMOSOME 9. Identifiers: MedGen C1837315, MONDO:0012132, OMIM 608812.

Submission:

Myriad Genetics, Inc.
Classification: Benign for Colorectal cancer, susceptibility to, 1. Last evaluated: 2026-04-24. Review status: criteria provided, single submitter. Criteria: Myriad Autosomal Dominant, Autosomal Recessive and X-Linked Classification Criteria (2023). Collection method: clinical testing. Allele origin: unknown.
Comment: This variant is considered benign. This variant is a silent/synonymous amino acid change and it is not expected to impact splicing.

NM_024642.5(GALNT12):c.906C>A (p.Val302=)

Gene: GALNT12 (polypeptide N-acetylgalactosaminyltransferase 12; plus strand). Cytogenetic location: 9q22.33.
Variant type: single nucleotide variant.
Coding change: c.906C>A on transcript NM_024642.5 (MANE Select); coding-DNA position 906, C replaced by A.
Protein change: p.Val302=; no amino-acid change (valine 302 retained).
Molecular consequence: synonymous variant.
Genome position (GRCh38, 1-based): chr9:98,831,946, C>A. VCF-style: chr9-98831946-C-A. GRCh37 (hg19) VCF-style: chr9-101594228-C-A.
Identifiers: ClinVar variation 4876178 (VCV004876178.1).